The following is an entry in ClinVar:

ClinVar aggregate classification (germline): Likely benign (0 of 4 stars; one submission).

Conditions:
RAI1-related disorder. Also called: RAI1-related condition.

Submission:

PreventionGenetics, part of Exact Sciences
Classification: Likely benign for RAI1-related condition. Last evaluated: 2023-05-02. Review status: no assertion criteria provided. Collection method: clinical testing. Allele origin: germline.
Comment: This variant is classified as likely benign based on ACMG/AMP sequence variant interpretation guidelines (Richards et al. 2015 PMID: 25741868, with internal and published modifications).

NM_030665.4(RAI1):c.-3G>A

Gene: RAI1 (retinoic acid induced 1; plus strand). Cytogenetic location: 17p11.2.
Variant type: single nucleotide variant.
Coding change: c.-3G>A on transcript NM_030665.4 (MANE Select); 3 bases upstream of the start codon, G replaced by A.
Molecular consequence: 5 prime UTR variant.
Genome position (GRCh38, 1-based): chr17:17,792,946, G>A. VCF-style: chr17-17792946-G-A. GRCh37 (hg19) VCF-style: chr17-17696260-G-A.
Identifiers: ClinVar variation 3355929 (VCV003355929.1).